The following is an entry in ClinVar:

NM_001282116.2(RFX3):c.1298A>G (p.His433Arg)

Gene: RFX3 (regulatory factor X3; minus strand). Cytogenetic location: 9p24.2.
Variant type: single nucleotide variant.
Coding change: c.1298A>G on transcript NM_001282116.2 (MANE Select); coding-DNA position 1298, A replaced by G.
Protein change: p.His433Arg; replaces histidine 433 with arginine.
Molecular consequence: missense variant.
Genome position (GRCh38, 1-based): chr9:3,270,430, T>C on the plus strand (A>G on the coding strand, the complement: RFX3 is on the minus strand). VCF-style: chr9-3270430-T-C. GRCh37 (hg19) VCF-style: chr9-3270430-T-C.
Other names: c.1298A>G, p.His433Arg (NM_001377999.1, NM_002919.4, NM_134428.3); short protein forms H433R.
Identifiers: ClinVar variation 2636911 (VCV002636911.1), dbSNP rs2489384889, ClinGen allele CA372844711.

ClinVar aggregate classification (germline): Uncertain significance (1 of 4 stars; one submission).

Conditions:
RFX3-related disorder. Also called: RFX3-related condition.

Allele frequency attached by ClinVar (database versions not stated): gnomAD exomes below 0.00001.
gnomAD v4.1: 2 of 1,613,880 alleles (0.00012%); highest among the groups gnomAD compares: Non-Finnish European, 0.00017%; no homozygotes.

Submission:

PreventionGenetics, part of Exact Sciences
Classification: Uncertain significance for RFX3-related condition. Last evaluated: 2023-02-23. Review status: criteria provided, single submitter. Criteria: ACMG Guidelines, 2015. Collection method: clinical testing. Allele origin: germline.
Comment: The RFX3 c.1298A>G variant is predicted to result in the amino acid substitution p.His433Arg. To our knowledge, this variant has not been reported in the literature or in a large population database, indicating this variant is rare. At this time, the clinical significance of this variant is uncertain due to the absence of conclusive functional and genetic evidence.